The following is an entry in ClinVar:

NM_032043.3(BRIP1):c.2425G>C (p.Gly809Arg)

Gene: BRIP1 (BRCA1 interacting DNA helicase 1; minus strand). Cytogenetic location: 17q23.2.
Variant type: single nucleotide variant.
Coding change: c.2425G>C on transcript NM_032043.3 (MANE Select); coding-DNA position 2425, G replaced by C.
Protein change: p.Gly809Arg; replaces glycine 809 with arginine.
Molecular consequence: missense variant.
Genome position (GRCh38, 1-based): chr17:61,716,018, C>G on the plus strand (G>C on the coding strand, the complement: BRIP1 is on the minus strand). VCF-style: chr17-61716018-C-G. GRCh37 (hg19) VCF-style: chr17-59793379-C-G.
Other names: short protein forms G809R.
Identifiers: ClinVar variation 2774994 (VCV002774994.2), dbSNP rs1555580892, ClinGen allele CA400479666.
Genomic context (GRCh38, chr17:61,716,018, plus strand): 5'-GGGCCTGGTTTAAGGCCCTGTATGCTTGAATTTCATACCACTGACGGCCAGGTAGAAGAC[C>G]TCTCAATTTTGAATGGTGGTCATTGTATTGTCGTTTTAGTTCAACCTAATAATTTTAAAA-3'
Protein context (NP_114432.2, residues 799-819): QYNDHHSKLR[Gly809Arg]LLPGRQWYEI

ClinVar aggregate classification (germline): Uncertain significance (1 of 4 stars; one submission).

Conditions:
Hereditary cancer-predisposing syndrome. Also called: Neoplastic Syndromes, Hereditary; Tumor predisposition; Hereditary Cancer Syndrome; Hereditary neoplastic syndrome. Identifiers: Orphanet 140162, MedGen C0027672, MeSH D009386, MONDO:0015356.

Submission:

Color Diagnostics, LLC DBA Color Health
Classification: Uncertain significance for Hereditary cancer-predisposing syndrome. Last evaluated: 2024-02-12. Review status: criteria provided, single submitter. Criteria: ACMG Guidelines, 2015. Collection method: clinical testing. Allele origin: germline.
Comment: This missense variant replaces glycine with arginine at codon 809 of the BRIP1 protein. Computational prediction suggests that this variant may have deleterious impact on protein structure and function. To our knowledge, functional studies have not been reported for this variant. This variant has not been reported in individuals affected with BRIP1-related disorders in the literature. This variant has not been identified in the general population by the Genome Aggregation Database (gnomAD). The available evidence is insufficient to determine the role of this variant in disease conclusively. Therefore, this variant is classified as a Variant of Uncertain Significance.